The following is an entry in ClinVar:

NM_030665.4(RAI1):c.1181C>T (p.Pro394Leu)

Gene: RAI1 (retinoic acid induced 1; plus strand). Cytogenetic location: 17p11.2.
Variant type: single nucleotide variant.
Coding change: c.1181C>T on transcript NM_030665.4 (MANE Select); coding-DNA position 1181, C replaced by T.
Protein change: p.Pro394Leu; replaces proline 394 with leucine.
Molecular consequence: missense variant.
Genome position (GRCh38, 1-based): chr17:17,794,129, C>T. VCF-style: chr17-17794129-C-T. GRCh37 (hg19) VCF-style: chr17-17697443-C-T.
Other names: short protein forms P394L.
Identifiers: ClinVar variation 1489047 (VCV001489047.8), dbSNP rs1313167219, ClinGen allele CA398547066.

ClinVar aggregate classification (germline): Uncertain significance (1 of 4 stars; one submission).

Allele frequency attached by ClinVar (database versions not stated): gnomAD exomes below 0.00001; gnomAD 0.00002; TOPMed 0.00002.
gnomAD v4.1: 4 of 1,613,974 alleles (0.00025%); highest among the groups gnomAD compares: African/African-American, 0.0013%; no homozygotes.

Submission:

Labcorp Genetics (formerly Invitae), Labcorp
Classification: Uncertain significance. Last evaluated: 2021-01-19. Review status: criteria provided, single submitter. Criteria: Invitae Variant Classification Sherloc (09022015). Collection method: clinical testing. Allele origin: germline.
Comment: This variant is not present in population databases (ExAC no frequency). This sequence change replaces proline with leucine at codon 394 of the RAI1 protein (p.Pro394Leu). The proline residue is highly conserved and there is a moderate physicochemical difference between proline and leucine. This variant has not been reported in the literature in individuals with RAI1-related conditions. Algorithms developed to predict the effect of missense changes on protein structure and function (SIFT, PolyPhen-2, Align-GVGD) all suggest that this variant is likely to be disruptive, but these predictions have not been confirmed by published functional studies and their clinical significance is uncertain. In summary, the available evidence is currently insufficient to determine the role of this variant in disease. Therefore, it has been classified as a Variant of Uncertain Significance.